The following is an entry in ClinVar:

NC_000004.11:g.(?_4861627)_(4862115_?)del

Gene: MSX1 (msh homeobox 1; plus strand). Cytogenetic location: 4p16.2.
Variant type: Deletion.
Identifiers: ClinVar variation 3246606 (VCV003246606.1).

ClinVar aggregate classification (germline): Pathogenic (1 of 4 stars; one submission).

Conditions:
Hypoplastic enamel-onycholysis-hypohidrosis syndrome (TNS). Also called: NAIL DYSPLASIA WITH HYPODONTIA; ECTODERMAL DYSPLASIA 3, WITKOP TYPE; ECTODERMAL DYSPLASIA 3, TOOTH/NAIL TYPE; WITKOP SYNDROME; Tooth-and-Nail Syndrome. Identifiers: Orphanet 2228, MedGen C0406735, MONDO:0008582, OMIM 189500.

Submission:

Labcorp Genetics (formerly Invitae), Labcorp
Classification: Pathogenic for Hypoplastic enamel-onycholysis-hypohidrosis syndrome. Last evaluated: 2023-10-09. Review status: criteria provided, single submitter. Criteria: Invitae Variant Classification Sherloc (09022015). Collection method: clinical testing. Allele origin: unknown.
Comment: This variant is a gross deletion of the genomic region encompassing exon(s) 1 of the MSX1 gene, which includes the initiator codon. This deletion extends beyond the assayed region for this gene and therefore may encompass additional genes. It is expected to result in an absent or disrupted protein product. Loss-of-function variants in MSX1 are known to be pathogenic (PMID: 9742121, 10742093). This variant has not been reported in the literature in individuals affected with MSX1-related conditions. For these reasons, this variant has been classified as Pathogenic.

Literature cited by the submitters: PubMed 9742121; PubMed 10742093.